The following is an entry in ClinVar:

ClinVar aggregate classification (germline): Likely benign. Review status: criteria provided, single submitter (1 of 4 stars). 2 submissions from 2 submitters: Likely benign (1). 1 of the submissions does not count toward it. Last evaluated 2023-07-16.

Conditions:
FREM2-related disorder. Also called: FREM2-related condition.

gnomAD v4.1: 1 of 1,614,050 alleles (0.000062%); highest among the groups gnomAD compares: Non-Finnish European, 0.000085%; no homozygotes.

Submissions (2):

Labcorp Genetics (formerly Invitae), Labcorp
Classification: Likely benign. Last evaluated: 2023-07-16. Review status: criteria provided, single submitter. Criteria: Invitae Variant Classification Sherloc (09022015). Collection method: clinical testing. Allele origin: germline.

PreventionGenetics, part of Exact Sciences
Classification: Likely benign for FREM2-related condition. Last evaluated: 2021-05-17. Review status: no assertion criteria provided. Collection method: clinical testing. Allele origin: germline. Not counted in ClinVar's aggregate classification.
Comment: This variant is classified as likely benign based on ACMG/AMP sequence variant interpretation guidelines (Richards et al. 2015 PMID: 25741868, with internal and published modifications).

NM_207361.6(FREM2):c.6273G>T (p.Ala2091=)

Gene: FREM2 (FRAS1 related extracellular matrix 2; plus strand). Cytogenetic location: 13q13.3.
Variant type: single nucleotide variant.
Coding change: c.6273G>T on transcript NM_207361.6 (MANE Select); coding-DNA position 6273, G replaced by T.
Protein change: p.Ala2091=; no amino-acid change (alanine 2091 retained).
Molecular consequence: synonymous variant.
Genome position (GRCh38, 1-based): chr13:38,848,564, G>T. VCF-style: chr13-38848564-G-T. GRCh37 (hg19) VCF-style: chr13-39422701-G-T.
Other names: c.6273G>T (NM_207361.5).
Identifiers: ClinVar variation 1907892 (VCV001907892.7), dbSNP rs769687764, ClinGen allele CA6955503.
Genomic context (GRCh38, chr13:38,848,564, plus strand): 5'-ACCTGGAGTCAACATGCAGCCTGTTCGTGTTGTCATTCTGGATGACCTTGGACAACCAGC[G>T]CTGGAGGGAATTGAGAAATTTGAACTGGTGCTTCGCATGCCTATGAACGCAGCCCTTGGC-3'
Protein context (NP_997244.4, residues 2081-2101): VVILDDLGQP[Ala2091=]LEGIEKFELV